The following is an entry in ClinVar:

NM_001104631.2(PDE4D):c.991_996del (p.Glu331_Phe332del)

Gene: PDE4D (phosphodiesterase 4D; minus strand). Cytogenetic location: 5q11.2.
Variant type: Deletion.
Coding change: c.991_996del on transcript NM_001104631.2 (MANE Select); coding-DNA positions 991 to 996, 6 bases deleted (GAGTTT; older notation c.991_996delGAGTTT).
Protein change: p.Glu331_Phe332del.
Molecular consequence: inframe deletion.
Genome position (GRCh38, 1-based): chr5:58,993,391-58,993,396, AAACTC deleted on the plus strand (GAGTTT on the coding strand, the reverse complement: PDE4D is on the minus strand). VCF-style (leftmost placement, unchanged base first): chr5-58993390-TAAACTC-T. GRCh37 (hg19) VCF-style: chr5-58289217-TAAACTC-T.
Other names: c.808_813del, p.Glu270_Phe271del (NM_001165899.2, NM_001364599.1); c.799_804del, p.Glu267_Phe268del (NM_001197218.2); c.625_630del, p.Glu209_Phe210del (NM_001197219.2); c.601_606del, p.Glu201_Phe202del (NM_001197220.2); c.85_90del, p.Glu29_Phe30del (NM_001197221.2, NM_001364603.1); c.319_324del, p.Glu107_Phe108del (NM_001197222.2); c.118_123del, p.Glu40_Phe41del (NM_001197223.2); c.778_783del, p.Glu260_Phe261del (NM_001349241.2); and 3 more.
Identifiers: ClinVar variation 1514919 (VCV001514919.8), dbSNP rs2153344866, ClinGen allele CA2573139702.

ClinVar aggregate classification (germline): Likely pathogenic (1 of 4 stars; one submission).

Submission:

Labcorp Genetics (formerly Invitae), Labcorp
Classification: Likely pathogenic. Last evaluated: 2022-08-23. Review status: criteria provided, single submitter. Criteria: Invitae Variant Classification Sherloc (09022015). Collection method: clinical testing. Allele origin: germline.
Comment: In summary, the currently available evidence indicates that the variant is pathogenic, but additional data are needed to prove that conclusively. Therefore, this variant has been classified as Likely Pathogenic. ClinVar contains an entry for this variant (Variation ID: 1514919). This variant has been observed in individual(s) with clinical features of acrodysostosis (Invitae). In at least one individual the variant was observed to be de novo. This variant is not present in population databases (gnomAD no frequency). This variant, c.991_996del, results in the deletion of 2 amino acid(s) of the PDE4D protein (p.Glu331_Phe332del), but otherwise preserves the integrity of the reading frame.